The following is an entry in ClinVar:

ClinVar aggregate classification (germline): Uncertain significance (1 of 4 stars; one submission).

Allele frequency attached by ClinVar (database versions not stated): gnomAD 0.00001; ExAC 0.00002; gnomAD exomes 0.00002; TOPMed 0.00002.

Submission:

Labcorp Genetics (formerly Invitae), Labcorp
Classification: Uncertain significance. Last evaluated: 2025-08-08. Review status: criteria provided, single submitter. Criteria: Invitae Variant Classification Sherloc (09022015). Collection method: clinical testing. Allele origin: germline.
Comment: This sequence change replaces asparagine, which is neutral and polar, with serine, which is neutral and polar, at codon 39 of the RPL9 protein (p.Asn39Ser). This variant is present in population databases (rs756847748, gnomAD 0.01%). This variant has not been reported in the literature in individuals affected with RPL9-related conditions. ClinVar contains an entry for this variant (Variation ID: 2197045). An algorithm developed to predict the effect of missense changes on protein structure and function (PolyPhen-2) suggests that this variant is likely to be tolerated. In summary, the available evidence is currently insufficient to determine the role of this variant in disease. Therefore, it has been classified as a Variant of Uncertain Significance.

NM_000661.5(RPL9):c.116A>G (p.Asn39Ser)

Gene: RPL9 (ribosomal protein L9; minus strand). Cytogenetic location: 4p14.
Variant type: single nucleotide variant.
Coding change: c.116A>G on transcript NM_000661.5 (MANE Select); coding-DNA position 116, A replaced by G.
Protein change: p.Asn39Ser; replaces asparagine 39 with serine.
Molecular consequence: missense variant.
Genome position (GRCh38, 1-based): chr4:39,458,240, T>C on the plus strand (A>G on the coding strand, the complement: RPL9 is on the minus strand). VCF-style: chr4-39458240-T-C. GRCh37 (hg19) VCF-style: chr4-39459860-T-C.
Other names: c.116A>G, p.Asn39Ser (NM_001024921.4); short protein forms N39S.
Identifiers: ClinVar variation 2197045 (VCV002197045.4), dbSNP rs756847748, ClinGen allele CA2894388.